The following is an entry in ClinVar:

NM_033028.5(BBS4):c.42A>G (p.Val14=)

Gene: BBS4 (Bardet-Biedl syndrome 4; plus strand). Cytogenetic location: 15q24.1.
Variant type: single nucleotide variant.
Coding change: c.42A>G on transcript NM_033028.5 (MANE Select); coding-DNA position 42, A replaced by G.
Protein change: p.Val14=; no amino-acid change (valine 14 retained).
Molecular consequence: synonymous variant. On other transcripts: non-coding transcript variant (2), intron variant (1).
Genome position (GRCh38, 1-based): chr15:72,695,194, A>G. VCF-style: chr15-72695194-A-G. GRCh37 (hg19) VCF-style: chr15-72987535-A-G.
Other names: c.42A/G; c.42A>G, p.Val14= (NM_001320665.2); c.-446+8943A>G (NM_001252678.2).
Identifiers: ClinVar variation 21740 (VCV000021740.6), dbSNP rs113994181, ClinGen allele CA342435.

ClinVar aggregate classification (germline): Likely benign. Review status: criteria provided, single submitter (1 of 4 stars). 2 submissions from 2 submitters: Likely benign (1). 1 of the submissions does not count toward it. Last evaluated 2024-07-31.

Conditions:
Bardet-Biedl syndrome (BBS). Identifiers: Orphanet 110, MedGen C0752166, MONDO:0015229.

Allele frequency attached by ClinVar (database versions not stated): gnomAD exomes below 0.00001 and 0.00001; ExAC 0.00001; gnomAD 0.00001; TOPMed 0.00001.
gnomAD v4.1: 5 of 1,606,946 alleles (0.00031%); highest among the groups gnomAD compares: Middle Eastern, 0.017%; no homozygotes.

Submissions (2):

Labcorp Genetics (formerly Invitae), Labcorp
Classification: Likely benign for Bardet-Biedl syndrome. Last evaluated: 2024-07-31. Review status: criteria provided, single submitter. Criteria: Invitae Variant Classification Sherloc (09022015). Collection method: clinical testing. Allele origin: germline.

GeneReviews
Classification: Benign for Bardet-Biedl Syndrome. Last evaluated: 2009-10-13. Review status: no assertion criteria provided. Collection method: curation. Allele origin: unknown. Not counted in ClinVar's aggregate classification.
ClinVar note: Converted during submission from benign to Benign.